The following is an entry in ClinVar:

ClinVar aggregate classification (germline): Likely benign. Review status: criteria provided, multiple submitters, no conflicts (2 of 4 stars). 3 submissions from 3 submitters: Likely benign (3). Last evaluated 2025-10-09.

Conditions:
KRT16-related disorder. Also called: KRT16-related condition.

Allele frequency attached by ClinVar (database versions not stated): 1000 Genomes Project 0.00100; TOPMed 0.00106; 1000 Genomes Project 30x 0.00125.

Submissions (3):

Labcorp Genetics (formerly Invitae), Labcorp
Classification: Likely benign. Last evaluated: 2025-10-09. Review status: criteria provided, single submitter. Criteria: Invitae Variant Classification Sherloc (09022015). Collection method: clinical testing. Allele origin: germline.

PreventionGenetics, part of Exact Sciences
Classification: Likely benign for KRT16-related condition. Last evaluated: 2024-12-04. Review status: criteria provided, single submitter. Criteria: ACMG Guidelines, 2015. Collection method: clinical testing. Allele origin: germline.
Comment: This variant is classified as likely benign based on ACMG/AMP sequence variant interpretation guidelines (Richards et al. 2015 PMID: 25741868, with internal and published modifications).

Blueprint Genetics
Classification: Likely benign. Last evaluated: 2024-11-11. Review status: criteria provided, single submitter. Criteria: ACMG Guidelines, 2015. Collection method: clinical testing. Allele origin: germline.

NM_005557.4(KRT16):c.207C>A (p.Gly69=)

Gene: KRT16 (keratin 16; minus strand). Cytogenetic location: 17q21.2.
Variant type: single nucleotide variant.
Coding change: c.207C>A on transcript NM_005557.4 (MANE Select); coding-DNA position 207, C replaced by A.
Protein change: p.Gly69=; no amino-acid change (glycine 69 retained).
Molecular consequence: synonymous variant.
Genome position (GRCh38, 1-based): chr17:41,612,482, G>T on the plus strand (C>A on the coding strand, the complement: KRT16 is on the minus strand). VCF-style: chr17-41612482-G-T. GRCh37 (hg19) VCF-style: chr17-39768734-G-T.
Identifiers: ClinVar variation 719518 (VCV000719518.10), dbSNP rs112223718, ClinGen allele CA8563317.
Genomic context (GRCh38, chr17:41,612,482, plus strand): 5'-GCCACCACCATATCCTCCCCCGAAGCCACTACCAAAGCTGCTGCTGCTGCTGAAGCCACC[G>T]CCATAGCCGCCCCCCAGCCCGCAGGCTCCCCCAGAGGAGAAGCGAGAGGAGACAGACAGG-3'
Protein context (NP_005548.2, residues 59-79): GGACGLGGGY[Gly69=]GGFSSSSSFG